The following is an entry in ClinVar:

ClinVar aggregate classification (germline): Likely benign (1 of 4 stars; one submission).

Submission:

GeneDx
Classification: Likely benign. Last evaluated: 2017-11-30. Review status: criteria provided, single submitter. Criteria: GeneDx Variant Classification (06012015). Collection method: clinical testing. Allele origin: germline. Affected: yes.
Comment: This variant is considered likely benign or benign based on one or more of the following criteria: it is a conservative change, it occurs at a poorly conserved position in the protein, it is predicted to be benign by multiple in silico algorithms, and/or has population frequency not consistent with disease.

NM_018993.4(RIN2):c.1413G>A (p.Glu471=)

Gene: RIN2 (Ras and Rab interactor 2; plus strand). Cytogenetic location: 20p11.23.
Variant type: single nucleotide variant.
Coding change: c.1413G>A on transcript NM_018993.4 (MANE Select); coding-DNA position 1413, G replaced by A.
Protein change: p.Glu471=; no amino-acid change (glutamic acid 471 retained).
Molecular consequence: synonymous variant.
Genome position (GRCh38, 1-based): chr20:19,975,438, G>A. VCF-style: chr20-19975438-G-A. GRCh37 (hg19) VCF-style: chr20-19956082-G-A.
Other names: c.1560G>A, p.Glu520= (NM_001242581.2); c.795G>A, p.Glu265= (NM_001378238.1).
Identifiers: ClinVar variation 513629 (VCV000513629.1), dbSNP rs1555805946, ClinGen allele CA510157577.